The following is an entry in ClinVar:

ClinVar aggregate classification (germline): Uncertain significance (1 of 4 stars; one submission).

Submission:

Labcorp Genetics (formerly Invitae), Labcorp
Classification: Uncertain significance. Last evaluated: 2023-11-07. Review status: criteria provided, single submitter. Criteria: Invitae Variant Classification Sherloc (09022015). Collection method: clinical testing. Allele origin: germline.
Comment: This sequence change falls in intron 4 of the LRP5 gene. It does not directly change the encoded amino acid sequence of the LRP5 protein. It affects a nucleotide within the consensus splice site. This variant is not present in population databases (gnomAD no frequency). This variant has not been reported in the literature in individuals affected with LRP5-related conditions. Variants that disrupt the consensus splice site are a relatively common cause of aberrant splicing (PMID: 17576681, 9536098). Algorithms developed to predict the effect of sequence changes on RNA splicing suggest that this variant may disrupt the consensus splice site. In summary, the available evidence is currently insufficient to determine the role of this variant in disease. Therefore, it has been classified as a Variant of Uncertain Significance.

Literature cited by the submitters: PubMed 17576681; PubMed 9536098.

NM_002335.4(LRP5):c.883+5G>A

Gene: LRP5 (LDL receptor related protein 5; plus strand). Cytogenetic location: 11q13.2.
Variant type: single nucleotide variant.
Coding change: c.883+5G>A on transcript NM_002335.4 (MANE Select); 5 bases into the intron after coding-DNA position 883, G replaced by A.
Molecular consequence: intron variant.
Genome position (GRCh38, 1-based): chr11:68,363,948, G>A. VCF-style: chr11-68363948-G-A. GRCh37 (hg19) VCF-style: chr11-68131416-G-A.
Other names: c.-883+5G>A (NM_001291902.2).
Identifiers: ClinVar variation 2694070 (VCV002694070.3), dbSNP rs2496471274, ClinGen allele CA2697548799.